The following is an entry in ClinVar:

ClinVar aggregate classification (germline): Uncertain significance (1 of 4 stars; one submission).

Conditions:
SIM1-related disorder. Also called: SIM1-related disorders; SIM1-related condition.

gnomAD v4.1: 1 of 1,607,364 alleles (0.000062%); highest among the groups gnomAD compares: Non-Finnish European, 0.000085%; no homozygotes.

Submission:

PreventionGenetics, part of Exact Sciences
Classification: Uncertain significance for SIM1-related condition. Last evaluated: 2025-11-02. Review status: criteria provided, single submitter. Criteria: ACMG Guidelines, 2015. Collection method: clinical testing. Allele origin: germline.
Comment: The SIM1 c.1226G>C variant is predicted to result in the amino acid substitution p.Ser409Thr. To our knowledge, this variant has not been reported in the literature or in a large population database (gnomAD), indicating this variant is rare. At this time, the clinical significance of this variant is uncertain due to the absence of conclusive functional and genetic evidence.

NM_005068.3(SIM1):c.1226G>C (p.Ser409Thr)

Genes: SIM1 (SIM bHLH transcription factor 1; minus strand), SIM1-AS1 (SIM1 antisense RNA 1; plus strand). Cytogenetic location: 6q16.3.
Variant type: single nucleotide variant.
Coding change: c.1226G>C on transcript NM_005068.3 (MANE Select); coding-DNA position 1226, G replaced by C.
Protein change: p.Ser409Thr; replaces serine 409 with threonine.
Molecular consequence: missense variant. On other transcripts: non-coding transcript variant (1).
Genome position (GRCh38, 1-based): chr6:100,393,831, C>G on the plus strand (G>C on the coding strand, the complement: SIM1 is on the minus strand). VCF-style: chr6-100393831-C-G. GRCh37 (hg19) VCF-style: chr6-100841707-C-G.
Other names: c.1226G>C, p.Ser409Thr (NM_001374769.1); short protein forms S409T.
Identifiers: ClinVar variation 4992169 (VCV004992169.1).